The following is an entry in ClinVar:

ClinVar aggregate classification (germline): Uncertain significance (1 of 4 stars; one submission).

Allele frequency attached by ClinVar (database versions not stated): gnomAD 0.00002; TOPMed 0.00002; ExAC 0.00005.
gnomAD v4.1: 38 of 1,592,854 alleles (0.0024%); highest among the groups gnomAD compares: Non-Finnish European, 0.0031%; no homozygotes.

Submission:

Labcorp Genetics (formerly Invitae), Labcorp
Classification: Uncertain significance. Last evaluated: 2022-02-25. Review status: criteria provided, single submitter. Criteria: Invitae Variant Classification Sherloc (09022015). Collection method: clinical testing. Allele origin: germline.
Comment: This sequence change replaces arginine, which is basic and polar, with glutamine, which is neutral and polar, at codon 450 of the PAX1 protein (p.Arg450Gln). The frequency data for this variant in the population databases is considered unreliable, as metrics indicate poor data quality at this position in the gnomAD database. This variant has not been reported in the literature in individuals affected with PAX1-related conditions. Algorithms developed to predict the effect of missense changes on protein structure and function output the following: SIFT: "Tolerated"; PolyPhen-2: "Possibly Damaging"; Align-GVGD: "Class C0". The glutamine amino acid residue is found in multiple mammalian species, which suggests that this missense change does not adversely affect protein function. Algorithms developed to predict the effect of sequence changes on RNA splicing suggest that this variant may create or strengthen a splice site. In summary, the available evidence is currently insufficient to determine the role of this variant in disease. Therefore, it has been classified as a Variant of Uncertain Significance.

NM_001257096.2(PAX1):c.1359G>A (p.Pro453=)

Gene: PAX1 (paired box 1; plus strand). Cytogenetic location: 20p11.22.
Variant type: single nucleotide variant.
Coding change: c.1359G>A on transcript NM_001257096.2 (MANE Select); coding-DNA position 1359, G replaced by A.
Protein change: p.Pro453=; no amino-acid change (proline 453 retained).
Molecular consequence: synonymous variant. On other transcripts: missense variant (1).
Genome position (GRCh38, 1-based): chr20:21,714,547, G>A. VCF-style: chr20-21714547-G-A. GRCh37 (hg19) VCF-style: chr20-21695185-G-A.
Other names: c.1349G>A, p.Arg450Gln (NM_006192.5); short protein forms R450Q.
Identifiers: ClinVar variation 1924477 (VCV001924477.2), dbSNP rs777692886, ClinGen allele CA9786766.
Genomic context (GRCh38, chr20:21,714,547, plus strand): 5'-TCCCAGCTCCGGCAGCAAGGCCCCGGACGCCCTCAGTAGCTTACACGGACTGCCCATCCC[G>A]GCCTCGACCTCCTAGGGGCAGCTCTCCCCGGACCCGAGCCCGGAGGGAACGGCAGGCGGA-3'
Protein context (NP_001244025.1, residues 443-457): ALSSLHGLPI[Pro453=]ASTS